The following is an entry in ClinVar:

NM_005591.4(MRE11):c.1800G>T (p.Glu600Asp)

Gene: MRE11 (MRE11 double strand break repair nuclease; minus strand). Cytogenetic location: 11q21.
Variant type: single nucleotide variant.
Coding change: c.1800G>T on transcript NM_005591.4 (MANE Select); coding-DNA position 1800, G replaced by T.
Protein change: p.Glu600Asp; replaces glutamic acid 600 with aspartic acid.
Molecular consequence: missense variant. On other transcripts: intron variant (1).
Genome position (GRCh38, 1-based): chr11:94,445,877, C>A on the plus strand (G>T on the coding strand, the complement: MRE11 is on the minus strand). VCF-style: chr11-94445877-C-A. GRCh37 (hg19) VCF-style: chr11-94179043-C-A.
Other names: c.1797G>T, p.Glu599Asp (NM_001330347.2); c.1783+1342G>T (NM_005590.4); short protein forms E600D, E599D.
Identifiers: ClinVar variation 407881 (VCV000407881.19), dbSNP rs1028566396, ClinGen allele CA16613646.
Genomic context (GRCh38, chr11:94,445,877, plus strand): 5'-AATAGACATATTTCTAGATGCTGACACAGCAGTCTTTGAGTTCCTGCTACGGGTAGAAGT[C>A]TCCAGACCAGTGTCTGCTGTTAGAAAAATGAACAGTCAATGTACAAGCCTATCAGCAGCT-3'
Protein context (NP_005582.1, residues 590-610): SQRGRADTGL[Glu600Asp]TSTRSRNSKT

ClinVar aggregate classification (germline): Conflicting classifications of pathogenicity. Review status: criteria provided, conflicting classifications (1 of 4 stars). 4 submissions from 4 submitters: Uncertain significance (3); Likely benign (1). Last evaluated 2025-11-10.

Conditions:
Ataxia-telangiectasia-like disorder (ATLD). Identifiers: MedGen C1858391, MONDO:0011457.
Hereditary cancer-predisposing syndrome. Also called: Hereditary Cancer Syndrome; Hereditary neoplastic syndrome; Neoplastic Syndromes, Hereditary; Tumor predisposition. Identifiers: Orphanet 140162, MedGen C0027672, MeSH D009386, MONDO:0015356.
Ataxia-telangiectasia-like disorder 1 (ATLD1). Identifiers: Orphanet 251347, MedGen C4012790, MONDO:0024557, OMIM 604391.

Allele frequency attached by ClinVar (database versions not stated): gnomAD 0.00001.
gnomAD v4.1: 2 of 1,613,530 alleles (0.00012%); highest among the groups gnomAD compares: Admixed American, 0.0033%; no homozygotes.

Submissions (4):

Labcorp Genetics (formerly Invitae), Labcorp
Classification: Uncertain significance for Ataxia-telangiectasia-like disorder. Last evaluated: 2025-11-10. Review status: criteria provided, single submitter. Criteria: Invitae Variant Classification Sherloc (09022015). Collection method: clinical testing. Allele origin: germline.
Comment: This sequence change replaces glutamic acid, which is acidic and polar, with aspartic acid, which is acidic and polar, at codon 600 of the MRE11 protein (p.Glu600Asp). This variant is not present in population databases (gnomAD no frequency). This variant has not been reported in the literature in individuals affected with MRE11-related conditions. ClinVar contains an entry for this variant (Variation ID: 407881). An algorithm developed to predict the effect of missense changes on protein structure and function (PolyPhen-2) suggests that this variant is likely to be tolerated. In summary, the available evidence is currently insufficient to determine the role of this variant in disease. Therefore, it has been classified as a Variant of Uncertain Significance.

Ambry Genetics
Classification: Likely benign for Hereditary cancer-predisposing syndrome. Last evaluated: 2024-03-27. Review status: criteria provided, single submitter. Criteria: Ambry Variant Classification Scheme 2023. Collection method: clinical testing. Allele origin: germline.

Quest Diagnostics Nichols Institute San Juan Capistrano
Classification: Uncertain significance. Last evaluated: 2021-09-01. Review status: criteria provided, single submitter. Criteria: Quest Diagnostics criteria. Collection method: clinical testing. Allele origin: unknown.

Revvity Omics, Revvity
Classification: Uncertain significance for Ataxia-telangiectasia-like disorder 1. Last evaluated: 2019-06-17. Review status: criteria provided, single submitter. Criteria: ACMG Guidelines, 2015. Collection method: clinical testing. Allele origin: germline.